The following is an entry in ClinVar:

ClinVar aggregate classification (germline): Uncertain significance (1 of 4 stars; one submission).

Conditions:
Mosaic variegated aneuploidy syndrome 2 (MVA2). Identifiers: Orphanet 1052, MedGen C3279843, MONDO:0013582, OMIM 614114.

Submission:

Labcorp Genetics (formerly Invitae), Labcorp
Classification: Uncertain significance for Mosaic variegated aneuploidy syndrome 2. Last evaluated: 2021-08-02. Review status: criteria provided, single submitter. Criteria: Invitae Variant Classification Sherloc (09022015). Collection method: clinical testing. Allele origin: germline.
Comment: This sequence change falls in intron 9 of the CEP57 gene. It does not directly change the encoded amino acid sequence of the CEP57 protein. It affects a nucleotide within the consensus splice site of the intron. This variant is not present in population databases (ExAC no frequency). This variant has not been reported in the literature in individuals affected with CEP57-related conditions. Variants that disrupt the consensus splice site are a relatively common cause of aberrant splicing (PMID: 17576681, 9536098). Algorithms developed to predict the effect of sequence changes on RNA splicing suggest that this variant is not likely to affect RNA splicing. In summary, the available evidence is currently insufficient to determine the role of this variant in disease. Therefore, it has been classified as a Variant of Uncertain Significance.

Literature cited by the submitters: PubMed 17576681; PubMed 9536098.

NM_014679.5(CEP57):c.1127+3G>A

Gene: CEP57 (centrosomal protein 57; plus strand). Cytogenetic location: 11q21.
Variant type: single nucleotide variant.
Coding change: c.1127+3G>A on transcript NM_014679.5 (MANE Select); 3 bases into the intron after coding-DNA position 1127, G replaced by A.
Molecular consequence: intron variant.
Genome position (GRCh38, 1-based): chr11:95,828,030, G>A. VCF-style: chr11-95828030-G-A. GRCh37 (hg19) VCF-style: chr11-95561194-G-A.
Other names: c.1046+3G>A (NM_001363604.2); c.1100+3G>A (NM_001243776.2); c.1049+3G>A (NM_001243777.2).
Identifiers: ClinVar variation 1371733 (VCV001371733.6), dbSNP rs2135374408, ClinGen allele CA2573147895.